The following is an entry in ClinVar:

ClinVar aggregate classification (germline): Uncertain significance (1 of 4 stars; one submission).

Allele frequency attached by ClinVar (database versions not stated): gnomAD 0.00006 and 0.00007; TOPMed 0.00008; 1000 Genomes Project 30x 0.00016; 1000 Genomes Project 0.00020; ESP Exome Variant Server 0.00031.
gnomAD v4.1: 56 of 1,614,238 alleles (0.0035%); highest among the groups gnomAD compares: African/African-American, 0.015%; no homozygotes.

Submission:

Labcorp Genetics (formerly Invitae), Labcorp
Classification: Uncertain significance for Combined immunodeficiency due to DOCK8 deficiency. Last evaluated: 2023-09-23. Review status: criteria provided, single submitter. Criteria: Invitae Variant Classification Sherloc (09022015). Collection method: clinical testing. Allele origin: germline.
Comment: In summary, the available evidence is currently insufficient to determine the role of this variant in disease. Therefore, it has been classified as a Variant of Uncertain Significance. Advanced modeling of protein sequence and biophysical properties (such as structural, functional, and spatial information, amino acid conservation, physicochemical variation, residue mobility, and thermodynamic stability) performed at Invitae indicates that this missense variant is expected to disrupt DOCK8 protein function. ClinVar contains an entry for this variant (Variation ID: 949170). This variant has not been reported in the literature in individuals affected with DOCK8-related conditions. This variant is present in population databases (rs146865157, gnomAD 0.02%). This sequence change replaces arginine, which is basic and polar, with cysteine, which is neutral and slightly polar, at codon 1201 of the DOCK8 protein (p.Arg1201Cys).

NM_203447.4(DOCK8):c.3601C>T (p.Arg1201Cys)

Gene: DOCK8 (dedicator of cytokinesis 8; plus strand). Cytogenetic location: 9p24.3.
Variant type: single nucleotide variant.
Coding change: c.3601C>T on transcript NM_203447.4 (MANE Select); coding-DNA position 3601, C replaced by T.
Protein change: p.Arg1201Cys; replaces arginine 1201 with cysteine.
Molecular consequence: missense variant.
Genome position (GRCh38, 1-based): chr9:414,852, C>T. VCF-style: chr9-414852-C-T. GRCh37 (hg19) VCF-style: chr9-414852-C-T.
Other names: c.3301C>T, p.Arg1101Cys (NM_001190458.2); c.3397C>T, p.Arg1133Cys (NM_001193536.2); short protein forms R1133C, R1101C, R1201C.
Identifiers: ClinVar variation 949170 (VCV000949170.9), dbSNP rs146865157, ClinGen allele CA4958756.
Genomic context (GRCh38, chr9:414,852, plus strand): 5'-GTACAAAGGAAAGCTGTCAGTGCAATTCACAGCCTGCTAAGTTCTCACGACCTGGACCCA[C>T]GCTGTGTCAAACCAGAGGTGAAGGTCAAAATCGCCGCCCTTTACCTACCTTTAGTTGGCA-3'
Protein context (NP_982272.2, residues 1191-1211): SLLSSHDLDP[Arg1201Cys]CVKPEVKVKI